The following is an entry in ClinVar:

ClinVar aggregate classification (germline): Likely pathogenic (1 of 4 stars; one submission).

Conditions:
Chromosome 2q32-q33 deletion syndrome (GLASS). Also called: 2q33.1 deletion syndrome; Glass syndrome. Identifiers: Orphanet 251019, MedGen C2676739, MONDO:0012864, OMIM 612313.

Submission:

Labcorp Genetics (formerly Invitae), Labcorp
Classification: Likely pathogenic for Chromosome 2q32-q33 deletion syndrome. Last evaluated: 2025-01-19. Review status: criteria provided, single submitter. Criteria: Invitae Variant Classification Sherloc (09022015). Collection method: clinical testing. Allele origin: germline.
Comment: This sequence change affects a splice site in intron 5 of the SATB2 gene. It is expected to disrupt RNA splicing. Variants that disrupt the donor or acceptor splice site typically lead to a loss of protein function (PMID: 16199547), and loss-of-function variants in SATB2 are known to be pathogenic (PMID: 25885067). This variant is not present in population databases (gnomAD no frequency). This variant has not been reported in the literature in individuals affected with SATB2-related conditions. Algorithms developed to predict the effect of sequence changes on RNA splicing suggest that this variant may disrupt the consensus splice site. In summary, the currently available evidence indicates that the variant is pathogenic, but additional data are needed to prove that conclusively. Therefore, this variant has been classified as Likely Pathogenic.

Literature cited by the submitters: PubMed 16199547; PubMed 25885067.

NM_001172509.2(SATB2):c.474-2_474-1del

Gene: SATB2 (SATB homeobox 2; minus strand). Cytogenetic location: 2q33.1.
Variant type: Deletion.
Coding change: c.474-2_474-1del on transcript NM_001172509.2 (MANE Select); the canonical splice acceptor site of the intron before coding-DNA position 474, 2 bases deleted (AG; older notation c.474-2_474-1delAG).
Molecular consequence: splice acceptor variant.
Genome position (GRCh38, 1-based): chr2:199,380,488-199,380,489, CT deleted on the plus strand (AG on the coding strand, the reverse complement: SATB2 is on the minus strand). VCF-style (leftmost placement, unchanged base first): chr2-199380487-ACT-A. GRCh37 (hg19) VCF-style: chr2-200245210-ACT-A.
Other names: c.474-2_474-1del (NM_001172517.1, NM_015265.4).
Identifiers: ClinVar variation 3729216 (VCV003729216.2).